The following is an entry in ClinVar:

NM_006904.7(PRKDC):c.5447G>T (p.Arg1816Leu)

Gene: PRKDC (protein kinase, DNA-activated, catalytic subunit; minus strand). Cytogenetic location: 8q11.21.
Variant type: single nucleotide variant.
Coding change: c.5447G>T on transcript NM_006904.7 (MANE Select); coding-DNA position 5447, G replaced by T.
Protein change: p.Arg1816Leu; replaces arginine 1816 with leucine.
Molecular consequence: missense variant.
Genome position (GRCh38, 1-based): chr8:47,864,680, C>A on the plus strand (G>T on the coding strand, the complement: PRKDC is on the minus strand). VCF-style: chr8-47864680-C-A. GRCh37 (hg19) VCF-style: chr8-48777241-C-A.
Other names: c.5447G>T, p.Arg1816Leu (NM_001081640.2); short protein forms R1816L.
Identifiers: ClinVar variation 3625260 (VCV003625260.2).

ClinVar aggregate classification (germline): Uncertain significance (1 of 4 stars; one submission).

Conditions:
Severe combined immunodeficiency due to DNA-PKcs deficiency. Also called: IMMUNODEFICIENCY 26 WITH NEUROLOGIC ABNORMALITIES; Immunodeficiency 26 with or without neurologic abnormalities. Identifiers: Orphanet 317425, MedGen C4014833, MONDO:0014423, OMIM 615966.

gnomAD v4.1: 16 of 1,607,630 alleles (0.001%); highest among the groups gnomAD compares: East Asian, 0.0022%; no homozygotes.

Submission:

Labcorp Genetics (formerly Invitae), Labcorp
Classification: Uncertain significance for Severe combined immunodeficiency due to DNA-PKcs deficiency. Last evaluated: 2025-05-18. Review status: criteria provided, single submitter. Criteria: Invitae Variant Classification Sherloc (09022015). Collection method: clinical testing. Allele origin: germline.
Comment: This sequence change replaces arginine, which is basic and polar, with leucine, which is neutral and non-polar, at codon 1816 of the PRKDC protein (p.Arg1816Leu). The frequency data for this variant in the population databases is considered unreliable, as metrics indicate poor data quality at this position in the gnomAD database. This variant has not been reported in the literature in individuals affected with PRKDC-related conditions. ClinVar contains an entry for this variant (Variation ID: 3625260). Invitae Evidence Modeling of protein sequence and biophysical properties (such as structural, functional, and spatial information, amino acid conservation, physicochemical variation, residue mobility, and thermodynamic stability) indicates that this missense variant is not expected to disrupt PRKDC protein function with a negative predictive value of 80%. In summary, the available evidence is currently insufficient to determine the role of this variant in disease. Therefore, it has been classified as a Variant of Uncertain Significance.